The following is an entry in ClinVar:

NM_001744.6(CAMK4):c.415C>T (p.Arg139Ter)

Gene: CAMK4 (calcium/calmodulin dependent protein kinase IV; plus strand). Cytogenetic location: 5q22.1.
Variant type: single nucleotide variant.
Coding change: c.415C>T on transcript NM_001744.6 (MANE Select); coding-DNA position 415, C replaced by T.
Protein change: p.Arg139Ter; replaces arginine 139 with a stop codon.
Molecular consequence: nonsense. On other transcripts: 5 prime UTR variant (2).
Genome position (GRCh38, 1-based): chr5:111,394,738, C>T. VCF-style: chr5-111394738-C-T. GRCh37 (hg19) VCF-style: chr5-110730436-C-T.
Other names: NC_000005.9:g.110730436C>T; c.415C>T, p.Arg139Ter (NM_001323374.2, NM_001323375.2); c.-177C>T (NM_001323376.2, NM_001323377.2); short protein forms R139*.
Identifiers: ClinVar variation 3369915 (VCV003369915.2).

ClinVar aggregate classification (germline): Uncertain significance (1 of 4 stars; one submission).

gnomAD v4.1: 4 of 1,612,142 alleles (0.00025%); highest among the groups gnomAD compares: African/African-American, 0.0013%; no homozygotes.

Submissions (2):

GeneDx
Classification: Uncertain significance. Last evaluated: 2024-03-24. Review status: criteria provided, single submitter. Criteria: GeneDx Variant Classification Process June 2021. Collection method: clinical testing. Allele origin: germline. Affected: yes.
Comment: Not observed at significant frequency in large population cohorts (gnomAD); Nonsense variant predicted to result in protein truncation or nonsense mediated decay in a gene or region of a gene for which loss of function is not a well-established mechanism of disease; Has not been previously published as pathogenic or benign to our knowledge

Dr. Peter K. Rogan Lab, Western University
No classification provided (evidence only). Condition: Uterine corpus endometrial carcinoma. Review status: no classification provided. Collection method: in vitro. Allele origin: not applicable. Functional consequence: retained intron. Not counted in ClinVar's aggregate classification.